The following is an entry in ClinVar:

ClinVar aggregate classification (germline): Benign (1 of 4 stars; one submission).

Conditions:
Multiple endocrine neoplasia type 2A. Also called: Multiple Endocrine Neoplasia Type 2A (MEN2A); MULTIPLE ENDOCRINE NEOPLASIA, TYPE IIA; PTC SYNDROME; SIPPLE SYNDROME; MEN 2A; MEN-2A syndrome. Identifiers: Orphanet 247698, Orphanet 653, MedGen C0025268, MeSH D018813, MONDO:0008234, OMIM 171400.

gnomAD v4.1: 2 of 1,614,042 alleles (0.00012%); highest among the groups gnomAD compares: Non-Finnish European, 0.00017%; no homozygotes.

Submission:

Myriad Genetics, Inc.
Classification: Benign for Multiple endocrine neoplasia type 2A. Last evaluated: 2025-02-27. Review status: criteria provided, single submitter. Criteria: Myriad Autosomal Dominant, Autosomal Recessive and X-Linked Classification Criteria (2023). Collection method: clinical testing. Allele origin: unknown.
Comment: This variant is considered benign. This variant is a silent/synonymous amino acid change and it is not expected to impact splicing.

NM_020975.6(RET):c.2646A>G (p.Val882=)

Gene: RET (ret proto-oncogene; plus strand). Cytogenetic location: 10q11.21.
Variant type: single nucleotide variant.
Coding change: c.2646A>G on transcript NM_020975.6 (MANE Select); coding-DNA position 2646, A replaced by G.
Protein change: p.Val882=; no amino-acid change (valine 882 retained).
Molecular consequence: synonymous variant.
Genome position (GRCh38, 1-based): chr10:43,120,119, A>G. VCF-style: chr10-43120119-A-G. GRCh37 (hg19) VCF-style: chr10-43615567-A-G.
Other names: c.1884A>G, p.Val628= (NM_001355216.2); c.2646A>G, p.Val882= (NM_001406743.1, NM_001406744.1, NM_001406759.1 and 2 more transcripts); c.2517A>G, p.Val839= (NM_001406761.1, NM_001406762.1, NM_001406764.1); c.2511A>G, p.Val837= (NM_001406763.1, NM_001406765.1); c.2358A>G, p.Val786= (NM_001406766.1, NM_001406767.1, NM_001406770.1); c.2382A>G, p.Val794= (NM_001406768.1); c.2250A>G, p.Val750= (NM_001406769.1, NM_001406772.1); c.2208A>G, p.Val736= (NM_001406771.1, NM_001406773.1); and 10 more.
Identifiers: ClinVar variation 3904550 (VCV003904550.1).